The following is an entry in ClinVar:

NM_005591.4(MRE11):c.627_628del (p.Trp210fs)

Gene: MRE11 (MRE11 double strand break repair nuclease; minus strand). Cytogenetic location: 11q21.
Variant type: Deletion.
Coding change: c.627_628del on transcript NM_005591.4 (MANE Select); coding-DNA positions 627 to 628, 2 bases deleted (TT; older notation c.627_628delTT).
Protein change: p.Trp210fs; shifts the reading frame from tryptophan 210.
Molecular consequence: frameshift variant.
Genome position (GRCh38, 1-based): chr11:94,476,320-94,476,321, AA deleted on the plus strand (TT on the coding strand, the reverse complement: MRE11 is on the minus strand). VCF-style (leftmost placement, unchanged base first): chr11-94476319-CAA-C. GRCh37 (hg19) VCF-style: chr11-94209485-CAA-C.
Other names: c.627_628del, p.Trp210fs (NM_001330347.2, NM_005590.4); c.627_628delTT (NM_005591.3); short protein forms W210fs.
Identifiers: ClinVar variation 182554 (VCV000182554.1), dbSNP rs730881752, ClinGen allele CA299298.
Genomic context (GRCh38, chr11:94,476,319, plus strand): 5'-GGCTCAAACTTTTTCAGAGAAAAGTTTTACCTGTTCTGATGAATCACAAATAAGTTAAAC[CAA>C]GAGTTCTCATCTTCCTTTGGTCTCAACATTGTTACTTTTTTATTGACAAACATTCGATAG-3'

ClinVar aggregate classification (germline): Pathogenic (1 of 4 stars; one submission).

Conditions:
Hereditary cancer-predisposing syndrome. Also called: Tumor predisposition; Hereditary Cancer Syndrome; Hereditary neoplastic syndrome; Neoplastic Syndromes, Hereditary. Identifiers: Orphanet 140162, MedGen C0027672, MeSH D009386, MONDO:0015356.

Submission:

GeneDx
Classification: Pathogenic for Neoplastic Syndromes, Hereditary. Last evaluated: 2014-08-08. Review status: criteria provided, single submitter. Criteria: GeneDx Variant Classification (06012015). Collection method: clinical testing. Allele origin: germline. Affected: yes.
Comment: This variant in exon7 in the MRE11A gene (NM_005591.3) is denoted c.627_628delTT at the cDNA level and p.Trp210ValfsX2 (W210VfsX2) at the protein level. The normal sequence with the base(s) that are deleted in braces is: ACTC{TT}GGTT. The c.627_628delTT mutation in the MRE11A gene has not been reported previously as a disease-causing mutation nor as a benign polymorphism, to our knowledge. The c.627_628delTT mutation causes a frameshift starting with codon Tryptophan 210, changes this amino acid to a Valine residue and creates a premature Stop codon at position 2 of the new reading frame, denoted p.Trp210ValfsX2. This mutation is predicted to cause loss of normal protein function either through protein truncation or nonsense-mediated mRNA decay. The c.627_628delTT mutation was not observed in approximately 6,500 individuals of European and African American ancestry in the NHLBI Exome Sequencing Project, indicating it is not a common benign variant in these populations. We interpret c.627_628delTT as a disease-causing mutation. Mutations in MRE11A can cause ataxiatelangiectasia-like disorder (ATLD), an autosomal recessive disease characterized by increased sensitivity to radiation and degeneration of the cerebellum leading to ataxia, dystonia, and oculomotor apraxia (Pitts et al., 2001). MRE11A has also been implicated as a cancer-susceptibility gene. Individuals heterozygous for a loss-of-function missense or truncating MRE11A mutation may be at an increased risk for cancer, particularly breast and ovarian cancer (Bartkova et al., 2008; Heikkenen et al., 2003). The variant is found in MRE11A panel(s).